The following is an entry in ClinVar:

NM_002677.5(PMP2):c.122T>C (p.Val41Ala)

Gene: PMP2 (peripheral myelin protein 2; minus strand). Cytogenetic location: 8q21.13.
Variant type: single nucleotide variant.
Coding change: c.122T>C on transcript NM_002677.5 (MANE Select); coding-DNA position 122, T replaced by C.
Protein change: p.Val41Ala; replaces valine 41 with alanine.
Molecular consequence: missense variant. On other transcripts: intron variant (1).
Genome position (GRCh38, 1-based): chr8:81,444,941, A>G on the plus strand (T>C on the coding strand, the complement: PMP2 is on the minus strand). VCF-style: chr8-81444941-A-G. GRCh37 (hg19) VCF-style: chr8-82357176-A-G.
Other names: c.74-340T>C (NM_001348381.2); short protein forms V41A.
Identifiers: ClinVar variation 3900560 (VCV003900560.1).

ClinVar aggregate classification (germline): Uncertain significance (1 of 4 stars; one submission).

gnomAD v4.1: 2 of 1,613,960 alleles (0.00012%); highest among the groups gnomAD compares: Non-Finnish European, 0.00017%; no homozygotes.

Submission:

GeneDx
Classification: Uncertain significance. Last evaluated: 2024-11-20. Review status: criteria provided, single submitter. Criteria: GeneDx Variant Classification Process June 2021. Collection method: clinical testing. Allele origin: germline. Affected: yes.
Comment: Not observed at significant frequency in large population cohorts (gnomAD); In silico analysis supports that this missense variant has a deleterious effect on protein structure/function; Has not been previously published as pathogenic or benign to our knowledge